The following is an entry in ClinVar:

ClinVar aggregate classification (germline): Uncertain significance (1 of 4 stars; one submission).

Conditions:
Primary ciliary dyskinesia. Also called: Ciliary dyskinesia. Identifiers: Orphanet 244, MedGen C0008780, MONDO:0016575, HP:0012265.

Submission:

Labcorp Genetics (formerly Invitae), Labcorp
Classification: Uncertain significance for Primary ciliary dyskinesia. Last evaluated: 2022-07-25. Review status: criteria provided, single submitter. Criteria: Invitae Variant Classification Sherloc (09022015). Collection method: clinical testing. Allele origin: germline.
Comment: In summary, the available evidence is currently insufficient to determine the role of this variant in disease. Therefore, it has been classified as a Variant of Uncertain Significance. Experimental studies and prediction algorithms are not available or were not evaluated, and the functional significance of this variant is currently unknown. This variant has not been reported in the literature in individuals affected with DRC1-related conditions. This variant results in a copy number gain of the genomic region encompassing exon(s) 1-3 of the DRC1 gene. This region includes the initiator codon of the gene. This copy number gain extends beyond the assayed region for this gene and therefore may encompass additional genes. As the precise location of this event is unknown, it may be in tandem or it may be located elsewhere in the genome.

NC_000002.11:g.(?_26624838)_(26644288_?)dup

Genes: DRC1 (dynein regulatory complex subunit 1; plus strand), LOC129933333 (ATAC-STARR-seq lymphoblastoid active region 15472; plus strand). Cytogenetic location: 2p23.3.
Variant type: Duplication.
Identifiers: ClinVar variation 583561 (VCV000583561.4).